The following is an entry in ClinVar:

NM_025137.4(SPG11):c.773dup (p.Phe259fs)

Gene: SPG11 (SPG11 vesicle trafficking associated, spatacsin; minus strand). Cytogenetic location: 15q21.1.
Variant type: Duplication.
Coding change: c.773dup on transcript NM_025137.4 (MANE Select); coding-DNA position 773, one base duplicated (C; older notation c.773dupC).
Protein change: p.Phe259fs; shifts the reading frame from phenylalanine 259.
Molecular consequence: frameshift variant.
Genome position (GRCh38, 1-based): chr15:44,657,191, G duplicated on the plus strand (C on the coding strand, the reverse complement: SPG11 is on the minus strand). VCF-style (leftmost placement, unchanged base first): chr15-44657190-T-TG. GRCh37 (hg19) VCF-style: chr15-44949388-T-TG.
Other names: c.773dup, p.Phe259fs (NM_001160227.2); short protein forms F259fs.
Identifiers: ClinVar variation 1431028 (VCV001431028.6), dbSNP rs2141121011, ClinGen allele CA2573150745.
Genomic context (GRCh38, chr15:44,657,190, plus strand): 5'-GTTGGAGGAGCTGACAATCACTGCAACATCGAGGTCTTGAGAAACTTTCAGTGAAGTAAA[T>TG]GAAGAAATCTTGGCTGGCTCCTGTTGCTGCTCATTACACATGTCTTCTTTGTGAAGTGCT-3'

ClinVar aggregate classification (germline): Pathogenic (1 of 4 stars; one submission).

Conditions:
Hereditary spastic paraplegia 11. Also called: Spastic Paraplegia 11; Spastic paraplegia, mental retardation and thin corpus callosum; SPASTIC PARAPLEGIA, AUTOSOMAL RECESSIVE, COMPLICATED, WITH THIN CORPUS CALLOSUM; SPASTIC PARAPLEGIA, AUTOSOMAL RECESSIVE, WITH MENTAL IMPAIRMENT AND THIN CORPUS CALLOSUM; Nakamura Osame syndrome; Autosomal recessive hereditary spastic paraplegia, mental impairment, and thin corpus callosum. Identifiers: Orphanet 2822, MedGen C1858479, MONDO:0011445, OMIM 604360.

Submission:

Labcorp Genetics (formerly Invitae), Labcorp
Classification: Pathogenic for Hereditary spastic paraplegia 11. Last evaluated: 2021-09-15. Review status: criteria provided, single submitter. Criteria: Invitae Variant Classification Sherloc (09022015). Collection method: clinical testing. Allele origin: germline.
Comment: For these reasons, this variant has been classified as Pathogenic. This variant has not been reported in the literature in individuals affected with SPG11-related conditions. This variant is not present in population databases (ExAC no frequency). This sequence change creates a premature translational stop signal (p.Phe259Ilefs*26) in the SPG11 gene. It is expected to result in an absent or disrupted protein product. Loss-of-function variants in SPG11 are known to be pathogenic (PMID: 19105190, 20110243, 22154821, 26556829).

Literature cited by the submitters: PubMed 19105190; PubMed 20110243; PubMed 22154821; PubMed 26556829.